The following is an entry in ClinVar:

NM_001447.3(FAT2):c.6590G>C (p.Ser2197Thr)

Genes: FAT2 (FAT atypical cadherin 2; minus strand), SLC36A1 (solute carrier family 36 member 1; plus strand). Cytogenetic location: 5q33.1.
Variant type: single nucleotide variant.
Coding change: c.6590G>C on transcript NM_001447.3 (MANE Select); coding-DNA position 6590, G replaced by C.
Protein change: p.Ser2197Thr; replaces serine 2197 with threonine.
Molecular consequence: missense variant.
Genome position (GRCh38, 1-based): chr5:151,544,537, C>G on the plus strand (G>C on the coding strand, the complement: FAT2 is on the minus strand). VCF-style: chr5-151544537-C-G. GRCh37 (hg19) VCF-style: chr5-150924098-C-G.
Other names: c.6590G>C (NM_001447.2); short protein forms S2197T.
Identifiers: ClinVar variation 3389519 (VCV003389519.15).
Genomic context (GRCh38, chr5:151,544,537, plus strand): 5'-GTGAACAGCATCAAGGGTTCTTCCTCCACAATGTTGTAGATGAGCCGGAGTCCCTCTGGA[C>G]TCCGGGCCTGGGTGTGGAGAATTGGGGTATAGAGGGTGATATTTTCAGGTACTCTGACTT-3'
Protein context (NP_001438.1, residues 2187-2207): YTPILHTQAR[Ser2197Thr]PEGLRLIYNI

ClinVar aggregate classification (germline): Uncertain significance. Review status: criteria provided, multiple submitters, no conflicts (2 of 4 stars). 2 submissions from 2 submitters: Uncertain significance (2). Last evaluated 2025-06-25.

gnomAD v4.1: 10 of 1,613,926 alleles (0.00062%); highest among the groups gnomAD compares: Non-Finnish European, 0.00076%; no homozygotes.

Submissions (2):

Ambry Genetics
Classification: Uncertain significance. Last evaluated: 2025-06-25. Review status: criteria provided, single submitter. Criteria: Ambry Variant Classification Scheme 2023. Collection method: clinical testing. Allele origin: germline.

CeGaT Center for Human Genetics Tuebingen
Classification: Uncertain significance. Last evaluated: 2024-11-01. Review status: criteria provided, single submitter. Criteria: CeGaT Center For Human Genetics Tuebingen Variant Classification Criteria Version 2. Collection method: clinical testing. Allele origin: germline. Affected: yes. Observed: 1 variant allele.
Comment: FAT2: PM2:Supporting, BP4